The following is an entry in ClinVar:

ClinVar aggregate classification (germline): Conflicting classifications of pathogenicity. Review status: criteria provided, conflicting classifications (1 of 4 stars). 3 submissions from 3 submitters: Uncertain significance (2); Likely benign (1). Last evaluated 2024-06-03.

Conditions:
Autosomal dominant intellectual disability-craniofacial anomalies-cardiac defects syndrome (ARTHS). Also called: Mental retardation, autosomal dominant 32; Arboleda-Tham syndrome; KAT6A syndrome. Identifiers: Orphanet 457193, MedGen C4225396, MONDO:0014558, OMIM 616268.
Inborn genetic diseases. Identifiers: MedGen C0950123, MeSH D030342.

Allele frequency attached by ClinVar (database versions not stated): gnomAD 0.00001.
gnomAD v4.1: 1 of 1,614,056 alleles (0.000062%); no homozygotes.

Submissions (3):

Labcorp Genetics (formerly Invitae), Labcorp
Classification: Likely benign. Last evaluated: 2024-06-03. Review status: criteria provided, single submitter. Criteria: Invitae Variant Classification Sherloc (09022015). Collection method: clinical testing. Allele origin: germline.

Baylor Genetics
Classification: Uncertain significance for Autosomal dominant intellectual disability-craniofacial anomalies-cardiac defects syndrome. Last evaluated: 2020-05-04. Review status: criteria provided, single submitter. Criteria: ACMG Guidelines, 2015. Collection method: clinical testing. Allele origin: unknown. Affected: yes.
Comment: This variant was determined to be of uncertain significance according to ACMG Guidelines, 2015 [PMID:25741868].

Ambry Genetics
Classification: Uncertain significance for Inborn genetic diseases. Last evaluated: 2020-02-20. Review status: criteria provided, single submitter. Criteria: Ambry Variant Classification Scheme 2023. Collection method: clinical testing. Allele origin: germline.
Comment: The p.H1767D variant (also known as c.5299C>G), located in coding exon 16 of the KAT6A gene, results from a C to G substitution at nucleotide position 5299. The histidine at codon 1767 is replaced by aspartic acid, an amino acid with similar properties. This amino acid position is highly conserved in available vertebrate species. In addition, this alteration is predicted to be deleterious by in silico analysis. Since supporting evidence is limited at this time, the clinical significance of this alteration remains unclear.

NM_006766.5(KAT6A):c.5299C>G (p.His1767Asp)

Gene: KAT6A (lysine acetyltransferase 6A; minus strand). Cytogenetic location: 8p11.21.
Variant type: single nucleotide variant.
Coding change: c.5299C>G on transcript NM_006766.5 (MANE Select); coding-DNA position 5299, C replaced by G.
Protein change: p.His1767Asp; replaces histidine 1767 with aspartic acid.
Molecular consequence: missense variant.
Genome position (GRCh38, 1-based): chr8:41,932,921, G>C on the plus strand (C>G on the coding strand, the complement: KAT6A is on the minus strand). VCF-style: chr8-41932921-G-C. GRCh37 (hg19) VCF-style: chr8-41790439-G-C.
Other names: short protein forms H1767D.
Identifiers: ClinVar variation 1028560 (VCV001028560.6), dbSNP rs1821629207, ClinGen allele CA371062850.